The following is an entry in ClinVar:

ClinVar aggregate classification (germline): Uncertain significance (1 of 4 stars; one submission).

Conditions:
Epidermolysis bullosa simplex 5B, with muscular dystrophy (EBS5B). Also called: Epidermolysis bullosa simplex with muscular dystrophy; EPIDERMOLYSIS BULLOSA SIMPLEX AND LIMB-GIRDLE MUSCULAR DYSTROPHY. Identifiers: Orphanet 257, MedGen C2931072, MONDO:0009181, OMIM 226670.
Epidermolysis bullosa simplex, Ogna type (EBS5A). Also called: Pidermolysis bullosa simplex 5A, Ogna type; EPIDERMOLYSIS BULLOSA SIMPLEX 5A, OGNA TYPE. Identifiers: Orphanet 79401, MedGen C0432317, MONDO:0007555, OMIM 131950.
Autosomal recessive limb-girdle muscular dystrophy type 2Q (LGMDR17). Also called: MUSCULAR DYSTROPHY, LIMB-GIRDLE, AUTOSOMAL RECESSIVE 17. Identifiers: Orphanet 254361, MedGen C3150989, MONDO:0013390, OMIM 613723.
Epidermolysis bullosa simplex with nail dystrophy (EBS5D). Identifiers: MedGen C4225309, MONDO:0014661, OMIM 616487.
Epidermolysis bullosa simplex 5C, with pyloric atresia (EBS5C). Also called: Epidermolysis bullosa simplex with pyloric atresia; PLEC-Related Epidermolysis Bullosa with Pyloric Atresia; PLEC1-Related Epidermolysis Bullosa with Pyloric Atresia. Identifiers: Orphanet 158684, MedGen C2677349, MONDO:0012807, OMIM 612138.

Allele frequency attached by ClinVar (database versions not stated): ESP Exome Variant Server 0.00008.
gnomAD v4.1: 2 of 1,593,116 alleles (0.00013%); highest among the groups gnomAD compares: Non-Finnish European, 0.00017%; no homozygotes.

Submission:

Labcorp Genetics (formerly Invitae), Labcorp
Classification: Uncertain significance for Autosomal recessive limb-girdle muscular dystrophy type 2Q; Epidermolysis bullosa simplex, Ogna type; Epidermolysis bullosa simplex with nail dystrophy; Epidermolysis bullosa simplex 5C, with pyloric atresia; Epidermolysis bullosa simplex 5B, with muscular dystrophy. Last evaluated: 2022-01-18. Review status: criteria provided, single submitter. Criteria: Invitae Variant Classification Sherloc (09022015). Collection method: clinical testing. Allele origin: germline.
Comment: In summary, the available evidence is currently insufficient to determine the role of this variant in disease. Therefore, it has been classified as a Variant of Uncertain Significance. Algorithms developed to predict the effect of missense changes on protein structure and function are either unavailable or do not agree on the potential impact of this missense change (SIFT: "Tolerated"; PolyPhen-2: "Not Available"; Align-GVGD: "Class C0"). This sequence change replaces glutamine, which is neutral and polar, with arginine, which is basic and polar, at codon 2018 of the PLEC protein (p.Gln2018Arg). This variant is not present in population databases (gnomAD no frequency). This variant has not been reported in the literature in individuals affected with PLEC-related conditions. ClinVar contains an entry for this variant (Variation ID: 960448).

NM_201384.3(PLEC):c.5972A>G (p.Gln1991Arg)

Gene: PLEC (plectin; minus strand). Cytogenetic location: 8q24.3.
Variant type: single nucleotide variant.
Coding change: c.5972A>G on transcript NM_201384.3 (MANE Select); coding-DNA position 5972, A replaced by G.
Protein change: p.Gln1991Arg; replaces glutamine 1991 with arginine.
Molecular consequence: missense variant.
Genome position (GRCh38, 1-based): chr8:143,923,957, T>C on the plus strand (A>G on the coding strand, the complement: PLEC is on the minus strand). VCF-style: chr8-143923957-T-C. GRCh37 (hg19) VCF-style: chr8-144998125-T-C.
Other names: c.6053A>G, p.Gln2018Arg (NM_000445.5); c.5930A>G, p.Gln1977Arg (NM_201378.4); c.5906A>G, p.Gln1969Arg (NM_201379.3); c.6383A>G, p.Gln2128Arg (NM_201380.4); c.5876A>G, p.Gln1959Arg (NM_201381.3); c.5972A>G, p.Gln1991Arg (NM_201382.4); c.5984A>G, p.Gln1995Arg (NM_201383.3); short protein forms Q1959R, Q1969R, Q1977R, Q2128R, Q1991R, Q1995R, Q2018R.
Identifiers: ClinVar variation 960448 (VCV000960448.7), dbSNP rs370277924, ClinGen allele CA187615208.